The following is an entry in ClinVar:

ClinVar aggregate classification (germline): Pathogenic/Likely pathogenic. Review status: criteria provided, multiple submitters, no conflicts (2 of 4 stars). 4 submissions from 4 submitters: Pathogenic (3); Likely pathogenic (1). Last evaluated 2025-11-08.

Conditions:
AHI1-related disorder. Also called: AHI1-related condition.
Joubert syndrome 3 (JBTS3). Also called: AHI1-related Ciliopathy. Identifiers: Orphanet 220493, MedGen C1837713, MONDO:0012078, OMIM 608629.
Joubert syndrome. Also called: Familial aplasia of the vermis; JOUBERT-BOLTSHAUSER SYNDROME. Identifiers: Orphanet 475, MedGen C5979921, MONDO:0018772.

Submissions (4):

Labcorp Genetics (formerly Invitae), Labcorp
Classification: Pathogenic for Joubert syndrome. Last evaluated: 2025-11-08. Review status: criteria provided, single submitter. Criteria: Invitae Variant Classification Sherloc (09022015). Collection method: clinical testing. Allele origin: germline.
Comment: This sequence change creates a premature translational stop signal (p.Tyr701Phefs*10) in the AHI1 gene. It is expected to result in an absent or disrupted protein product. Loss-of-function variants in AHI1 are known to be pathogenic (PMID: 15322546, 16453322, 28442542, 29186038). This variant is present in population databases (no rsID available, gnomAD 0.002%). This premature translational stop signal has been observed in individual(s) with Joubert syndrome (PMID: 26092869). ClinVar contains an entry for this variant (Variation ID: 217533). For these reasons, this variant has been classified as Pathogenic.

Blueprint Genetics
Classification: Likely pathogenic for AHI1-related disorders. Last evaluated: 2019-10-17. Review status: criteria provided, single submitter. Criteria: ACMG Guidelines, 2015. Collection method: clinical testing. Allele origin: germline. Affected: yes. Observed: 2 variant alleles.

GeneDx
Classification: Pathogenic. Last evaluated: 2015-10-16. Review status: criteria provided, single submitter. Criteria: GeneDx Variant Classification (06012015). Collection method: clinical testing. Allele origin: germline. Affected: yes.
Comment: The c.2098_2099dupGT pathogenic variant in the AHI1 gene causes a frameshift starting with codon Tyrosine 701, changes this amino acid to a Phenylalanine residue and creates a premature Stop codon at position 10 of the new reading frame, denoted p.Tyr701PhefsX10. This variant is predicted to cause loss of normal protein function either through protein truncation or nonsense-mediated mRNA decay. Therefore, c.2098_2099dupGT is considered to be a pathogenic variant.

UW Hindbrain Malformation Research Program, University of Washington
Classification: Pathogenic for Joubert syndrome 3. Last evaluated: 2015-02-23. Review status: criteria provided, single submitter. Criteria: Bachmann-Gagescu et al. (J Med Genet. 2015). Collection method: research. Allele origin: unknown. Affected: yes.

Literature cited by the submitters: PubMed 15322546 (cited by Labcorp Genetics (formerly Invitae), Labcorp); PubMed 16453322 (cited by Labcorp Genetics (formerly Invitae), Labcorp); PubMed 28442542 (cited by Labcorp Genetics (formerly Invitae), Labcorp); PubMed 29186038 (cited by Labcorp Genetics (formerly Invitae), Labcorp); PubMed 26092869 (cited by Labcorp Genetics (formerly Invitae), Labcorp).

NM_001134831.2(AHI1):c.2098_2099dup (p.Tyr701fs)

Gene: AHI1 (Abelson helper integration site 1; minus strand). Cytogenetic location: 6q23.3.
Variant type: Duplication.
Coding change: c.2098_2099dup on transcript NM_001134831.2 (MANE Select); coding-DNA positions 2098 to 2099, 2 bases duplicated (GT; older notation c.2098_2099dupGT).
Protein change: p.Tyr701fs; shifts the reading frame from tyrosine 701.
Molecular consequence: frameshift variant.
Genome position (GRCh38, 1-based): chr6:135,433,194-135,433,195, AC duplicated on the plus strand (GT on the coding strand, the reverse complement: AHI1 is on the minus strand); duplicating any 2 consecutive bases within chr6:135,433,194-135,433,196 gives the same sequence; the c. name uses the placement nearest the transcript's 3' end. VCF-style (leftmost placement, unchanged base first): chr6-135433193-A-AAC. GRCh37 (hg19) VCF-style: chr6-135754331-A-AAC.
Other names: c.2098_2099dup, p.Tyr701fs (NM_001134830.2, NM_001134832.2, NM_001350503.2 and 2 more transcripts); c.2098_2099dupGT (NM_017651.4); short protein forms Y701fs.
Identifiers: ClinVar variation 217533 (VCV000217533.12), dbSNP rs863225136, ClinGen allele CA279460.